The following is an entry in ClinVar:

NM_001195248.2(APTX):c.302del (p.Glu101fs)

Gene: APTX (aprataxin; minus strand). Cytogenetic location: 9p21.1.
Variant type: Deletion.
Coding change: c.302del on transcript NM_001195248.2 (MANE Select); coding-DNA position 302, one base deleted (A; older notation c.302delA).
Protein change: p.Glu101fs; shifts the reading frame from glutamic acid 101.
Molecular consequence: frameshift variant. On other transcripts: non-coding transcript variant (13), intron variant (1).
Genome position (GRCh38, 1-based): chr9:32,987,725, T deleted on the plus strand (A on the coding strand, the reverse complement: APTX is on the minus strand). VCF-style (leftmost placement, unchanged base first): chr9-32987724-CT-C. GRCh37 (hg19) VCF-style: chr9-32987722-CT-C.
Other names: c.38del, p.Glu13fs (NM_001369004.1, NM_001369005.1, NM_001369006.1 and 5 more transcripts); c.302del, p.Glu101fs (NM_175069.3, NM_175073.3, NM_001195249.2 and 6 more transcripts); c.140del, p.Glu47fs (NM_001195250.2, NM_001195254.2, NM_001369000.1 and 1 more transcripts); c.267+35del (NM_001195252.2); short protein forms E47fs, E101fs, E13fs.
Identifiers: ClinVar variation 1372599 (VCV001372599.6), dbSNP rs2118806684, ClinGen allele CA2573144477.

ClinVar aggregate classification (germline): Pathogenic (1 of 4 stars; one submission).

Submission:

Labcorp Genetics (formerly Invitae), Labcorp
Classification: Pathogenic. Last evaluated: 2022-07-12. Review status: criteria provided, single submitter. Criteria: Invitae Variant Classification Sherloc (09022015). Collection method: clinical testing. Allele origin: germline.
Comment: This sequence change creates a premature translational stop signal (p.Glu101Glyfs*24) in the APTX gene. It is expected to result in an absent or disrupted protein product. Loss-of-function variants in APTX are known to be pathogenic (PMID: 15719174, 21465257, 23183622, 26285866). This variant is not present in population databases (gnomAD no frequency). This variant has not been reported in the literature in individuals affected with APTX-related conditions. ClinVar contains an entry for this variant (Variation ID: 1372599). For these reasons, this variant has been classified as Pathogenic.

Literature cited by the submitters: PubMed 15719174; PubMed 21465257; PubMed 23183622; PubMed 26285866.